The following is an entry in ClinVar:

ClinVar aggregate classification (germline): Uncertain significance (1 of 4 stars; one submission).

Allele frequency attached by ClinVar (database versions not stated): gnomAD exomes below 0.00001; TOPMed 0.00004; gnomAD 0.00006.
gnomAD v4.1: 16 of 1,613,948 alleles (0.00099%); highest among the groups gnomAD compares: African/African-American, 0.016%; no homozygotes.

Submission:

Ambry Genetics
Classification: Uncertain significance. Last evaluated: 2023-03-05. Review status: criteria provided, single submitter. Criteria: Ambry Variant Classification Scheme 2023. Collection method: clinical testing. Allele origin: germline.
Comment: The p.E1762K variant (also known as c.5284G>A), located in coding exon 4 of the ALPK2 gene, results from a G to A substitution at nucleotide position 5284. The glutamic acid at codon 1762 is replaced by lysine, an amino acid with similar properties. This amino acid position is conserved. In addition, this alteration is predicted to be tolerated by in silico analysis. Since supporting evidence is limited at this time, the clinical significance of this alteration remains unclear.

NM_052947.4(ALPK2):c.5284G>A (p.Glu1762Lys)

Genes: ALPK2 (alpha kinase 2; minus strand), LOC130062577 (ATAC-STARR-seq lymphoblastoid active region 13389; plus strand). Cytogenetic location: 18q21.31.
Variant type: single nucleotide variant.
Coding change: c.5284G>A on transcript NM_052947.4 (MANE Select); coding-DNA position 5284, G replaced by A.
Protein change: p.Glu1762Lys; replaces glutamic acid 1762 with lysine.
Molecular consequence: missense variant.
Genome position (GRCh38, 1-based): chr18:58,534,903, C>T on the plus strand (G>A on the coding strand, the complement: ALPK2 is on the minus strand). VCF-style: chr18-58534903-C-T. GRCh37 (hg19) VCF-style: chr18-56202135-C-T.
Other names: short protein forms E1762K.
Identifiers: ClinVar variation 2397823 (VCV002397823.2), dbSNP rs898482941, ClinGen allele CA300925995.